The following is an entry in ClinVar:

NM_206933.4(USH2A):c.6570G>A (p.Trp2190Ter)

Gene: USH2A (usherin; minus strand). Cytogenetic location: 1q41.
Variant type: single nucleotide variant.
Coding change: c.6570G>A on transcript NM_206933.4 (MANE Select); coding-DNA position 6570, G replaced by A.
Protein change: p.Trp2190Ter; replaces tryptophan 2190 with a stop codon.
Molecular consequence: nonsense.
Genome position (GRCh38, 1-based): chr1:215,998,974, C>T on the plus strand (G>A on the coding strand, the complement: USH2A is on the minus strand). VCF-style: chr1-215998974-C-T. GRCh37 (hg19) VCF-style: chr1-216172316-C-T.
Other names: c.6570G>A (NM_206933.2); short protein forms W2190*.
Identifiers: ClinVar variation 1354155 (VCV001354155.7), dbSNP rs2102481922, ClinGen allele CA344861218.

ClinVar aggregate classification (germline): Pathogenic. Review status: criteria provided, multiple submitters, no conflicts (2 of 4 stars). 2 submissions from 2 submitters: Pathogenic (2). Last evaluated 2021-11-22.

Conditions:
Usher syndrome type 2A. Also called: RETINAL DISEASE IN USHER SYNDROME TYPE IIA, MODIFIER OF; USHER SYNDROME, TYPE IIA. Identifiers: Orphanet 231178, Orphanet 886, MedGen C1848634, MONDO:0010169, OMIM 276901.

gnomAD v4.1: 1 of 1,612,810 alleles (0.000062%); no homozygotes.

Submissions (2):

Labcorp Genetics (formerly Invitae), Labcorp
Classification: Pathogenic. Last evaluated: 2021-11-22. Review status: criteria provided, single submitter. Criteria: Invitae Variant Classification Sherloc (09022015). Collection method: clinical testing. Allele origin: germline.
Comment: For these reasons, this variant has been classified as Pathogenic. This variant has not been reported in the literature in individuals affected with USH2A-related conditions. This variant is not present in population databases (gnomAD no frequency). This sequence change creates a premature translational stop signal (p.Trp2190*) in the USH2A gene. It is expected to result in an absent or disrupted protein product. Loss-of-function variants in USH2A are known to be pathogenic (PMID: 10729113, 10909849, 20507924, 25649381).

Clinical Genetics Service, Universitary Hospital 12 de Octubre
Classification: Pathogenic for Usher syndrome type 2A. Review status: criteria provided, single submitter. Criteria: ACMG Guidelines, 2015. Collection method: clinical testing. Allele origin: germline. Affected: yes.

Literature cited by the submitters: PubMed 10729113 (cited by Labcorp Genetics (formerly Invitae), Labcorp); PubMed 10909849 (cited by Labcorp Genetics (formerly Invitae), Labcorp); PubMed 20507924 (cited by Labcorp Genetics (formerly Invitae), Labcorp); PubMed 25649381 (cited by Labcorp Genetics (formerly Invitae), Labcorp).